The following is an entry in ClinVar:

ClinVar aggregate classification (germline): Likely benign (1 of 4 stars; one submission).

gnomAD v4.1: 32 of 1,613,910 alleles (0.002%); highest among the groups gnomAD compares: South Asian, 0.034%; 1 homozygote.

Submission:

CeGaT Center for Human Genetics Tuebingen
Classification: Likely benign. Last evaluated: 2024-11-01. Review status: criteria provided, single submitter. Criteria: CeGaT Center For Human Genetics Tuebingen Variant Classification Criteria Version 2. Collection method: clinical testing. Allele origin: germline. Affected: yes. Observed: 1 variant allele.
Comment: SEPTIN12: BP4

NM_144605.5(SEPTIN12):c.220G>T (p.Val74Leu)

Gene: SEPTIN12 (septin 12; minus strand). Cytogenetic location: 16p13.3.
Variant type: single nucleotide variant.
Coding change: c.220G>T on transcript NM_144605.5 (MANE Select); coding-DNA position 220, G replaced by T.
Protein change: p.Val74Leu; replaces valine 74 with leucine.
Molecular consequence: missense variant.
Genome position (GRCh38, 1-based): chr16:4,786,052, C>A on the plus strand (G>T on the coding strand, the complement: SEPTIN12 is on the minus strand). VCF-style: chr16-4786052-C-A. GRCh37 (hg19) VCF-style: chr16-4836053-C-A.
Other names: c.220G>T, p.Val74Leu (NM_001154458.3); short protein forms V74L.
Identifiers: ClinVar variation 3390108 (VCV003390108.14).
Genomic context (GRCh38, chr16:4,786,052, plus strand): 5'-AATGCAGCTGCAGCGTCTGGGGTGTGGGCACCCCCAAGCCCGGTGGGTTTGACTTCCACA[C>A]TTTGGACTTGAACAGCGTGTTCACCATCGTGGACTTGCCCAGCCCGCTTTGCCCTGGGAG-3'
Protein context (NP_653206.2, residues 64-84): TMVNTLFKSK[Val74Leu]WKSNPPGLGV